The following is an entry in ClinVar:

NM_178857.6(RP1L1):c.454del (p.Arg152fs)

Gene: RP1L1 (RP1 like 1). Cytogenetic location: 8p23.1.
Variant type: Deletion.
Coding change: c.454del on transcript NM_178857.6 (MANE Select); coding-DNA position 454, one base deleted.
Protein change: p.Arg152fs; shifts the reading frame from arginine 152.
Molecular consequence: frameshift variant.
Genome position: GRCh38 VCF-style: chr8-10622747-CG-C. GRCh37 (hg19) VCF-style: chr8-10480257-CG-C.
Other names: short protein forms R152fs.
Identifiers: ClinVar variation 1486144 (VCV001486144.6), dbSNP rs778634096, ClinGen allele CA1110648153.

ClinVar aggregate classification (germline): Uncertain significance (1 of 4 stars; one submission).

Submission:

Labcorp Genetics (formerly Invitae), Labcorp
Classification: Uncertain significance. Last evaluated: 2022-03-10. Review status: criteria provided, single submitter. Criteria: Invitae Variant Classification Sherloc (09022015). Collection method: clinical testing. Allele origin: germline.
Comment: In summary, the available evidence is currently insufficient to determine the role of this variant in disease. Therefore, it has been classified as a Variant of Uncertain Significance. This variant has not been reported in the literature in individuals affected with RP1L1-related conditions. This variant is not present in population databases (gnomAD no frequency). This sequence change creates a premature translational stop signal (p.Arg152Glyfs*5) in the RP1L1 gene. It is expected to result in an absent or disrupted protein product. However, the current clinical and genetic evidence is not sufficient to establish whether loss-of-function variants in RP1L1 cause disease.